The following is an entry in ClinVar:

ClinVar aggregate classification (germline): Pathogenic (1 of 4 stars; one submission).

Conditions:
Glycogen storage disease, type IV (GSD4). Also called: AMYLOPECTINOSIS; ANDERSEN DISEASE; BRANCHER DEFICIENCY; CIRRHOSIS, FAMILIAL, WITH DEPOSITION OF ABNORMAL GLYCOGEN; GBE1 DEFICIENCY; GLYCOGEN BRANCHING ENZYME DEFICIENCY. Identifiers: Orphanet 367, MedGen C0017923, MONDO:0009292, OMIM 232500.

Submission:

Myriad Genetics, Inc.
Classification: Pathogenic for Glycogen storage disease, type IV. Last evaluated: 2024-05-14. Review status: criteria provided, single submitter. Criteria: Myriad Autosomal Dominant, Autosomal Recessive and X-Linked Classification Criteria (2023). Collection method: clinical testing. Allele origin: unknown.
Comment: NM_000158.3(GBE1):c.221_222ins17(E74Dfs*75) is expected to be pathogenic in the context of glycogen storage disease, GBE1-related. This variant is predicted to lead to an abnormal or absent protein product due to the creation of a premature termination codon in GBE1, a gene where loss-of-function variants are known to be pathogenic. Please note: this variant was assessed in the context of healthy population screening.

NM_000158.4(GBE1):c.221_222insTGTGTATAAGAGACAGT (p.Glu74fs)

Gene: GBE1 (1,4-alpha-glucan branching enzyme 1; minus strand). Cytogenetic location: 3p12.2.
Variant type: Insertion.
Coding change: c.221_222insTGTGTATAAGAGACAGT on transcript NM_000158.4 (MANE Select); coding-DNA positions 221 to 222, TGTGTATAAGAGACAGT inserted.
Protein change: p.Glu74fs; shifts the reading frame from glutamic acid 74.
Molecular consequence: frameshift variant.
Genome position: GRCh38 VCF-style: chr3-81705535-T-TACTGTCTCTTATACACA. GRCh37 (hg19) VCF-style: chr3-81754686-T-TACTGTCTCTTATACACA.
Other names: short protein forms E74fs.
Identifiers: ClinVar variation 5010968 (VCV005010968.1).